The following is an entry in ClinVar:

ClinVar aggregate classification (germline): Uncertain significance (1 of 4 stars; one submission).

Conditions:
Inborn genetic diseases. Identifiers: MedGen C0950123, MeSH D030342.

gnomAD v4.1: 3 of 1,614,134 alleles (0.00019%); highest among the groups gnomAD compares: Non-Finnish European, 0.00025%; no homozygotes.

Submission:

Ambry Genetics
Classification: Uncertain significance for Inborn genetic diseases. Last evaluated: 2025-10-07. Review status: criteria provided, single submitter. Criteria: Ambry Variant Classification Scheme 2023. Collection method: clinical testing. Allele origin: germline.
Comment: The p.S846G variant (also known as c.2536A>G), located in coding exon 13 of the ASXL1 gene, results from an A to G substitution at nucleotide position 2536. The serine at codon 846 is replaced by glycine, an amino acid with similar properties. This amino acid position is conserved. In addition, this alteration is predicted to be tolerated by in silico analysis. Based on the available evidence, the clinical significance of this variant remains unclear.

NM_015338.6(ASXL1):c.2536A>G (p.Ser846Gly)

Gene: ASXL1 (ASXL transcriptional regulator 1; plus strand). Cytogenetic location: 20q11.21.
Variant type: single nucleotide variant.
Coding change: c.2536A>G on transcript NM_015338.6 (MANE Select); coding-DNA position 2536, A replaced by G.
Protein change: p.Ser846Gly; replaces serine 846 with glycine.
Molecular consequence: missense variant.
Genome position (GRCh38, 1-based): chr20:32,435,248, A>G. VCF-style: chr20-32435248-A-G. GRCh37 (hg19) VCF-style: chr20-31023051-A-G.
Other names: c.2353A>G, p.Ser785Gly (NM_001363734.1); short protein forms S846G, S785G.
Identifiers: ClinVar variation 4587682 (VCV004587682.1).